The following is an entry in ClinVar:

NC_000011.9:g.(?_76890071)_(76892655_?)del

Gene: MYO7A (myosin VIIA; plus strand). Cytogenetic location: 11q13.5.
Variant type: Deletion.
Identifiers: ClinVar variation 1457311 (VCV001457311.7).

ClinVar aggregate classification (germline): Pathogenic (1 of 4 stars; one submission).

Submission:

Labcorp Genetics (formerly Invitae), Labcorp
Classification: Pathogenic. Last evaluated: 2022-09-27. Review status: criteria provided, single submitter. Criteria: Invitae Variant Classification Sherloc (09022015). Collection method: clinical testing. Allele origin: germline.
Comment: For these reasons, this variant has been classified as Pathogenic. A similar copy number variant has been observed in individual(s) with Usher syndrome type 1 (PMID: 31736247). This variant is a gross deletion of the genomic region encompassing exon(s) 20-23 of the MYO7A gene. This deletion is out-of-frame, and is expected to create a premature termination codon and result in an absent or disrupted protein product. Loss-of-function variants in MYO7A are known to be pathogenic (PMID: 8900236, 25404053).

Literature cited by the submitters: PubMed 31736247; PubMed 8900236; PubMed 25404053.